The following is an entry in ClinVar:

NM_003680.4(YARS1):c.1568A>G (p.Lys523Arg)

Gene: YARS1 (tyrosyl-tRNA synthetase 1; minus strand). Cytogenetic location: 1p35.1.
Variant type: single nucleotide variant.
Coding change: c.1568A>G on transcript NM_003680.4 (MANE Select); coding-DNA position 1568, A replaced by G.
Protein change: p.Lys523Arg; replaces lysine 523 with arginine.
Molecular consequence: missense variant.
Genome position (GRCh38, 1-based): chr1:32,776,000, T>C on the plus strand (A>G on the coding strand, the complement: YARS1 is on the minus strand). VCF-style: chr1-32776000-T-C. GRCh37 (hg19) VCF-style: chr1-33241601-T-C.
Other names: short protein forms K523R.
Identifiers: ClinVar variation 2815390 (VCV002815390.3), dbSNP rs1221215452, ClinGen allele CA339678709.
Genomic context (GRCh38, chr1:32,776,000, plus strand): 5'-ATGACTCAGTGGTGGAAGAAGGGGGGAAGATGCTGGGCTGGCTAGCTAATGTTCCCCCCT[T>C]TCAGCGATTTACAGGAAATGGAGCCCAGCTTGGTCATGAAGTTGGTTTGCTTCCACTGTG-3'
Protein context (NP_003671.1, residues 513-528): KLGSISCKSL[Lys523Arg]GGNIS

ClinVar aggregate classification (germline): Uncertain significance (1 of 4 stars; one submission).

Conditions:
Charcot-Marie-Tooth disease dominant intermediate C (CMTDIC). Also called: CHARCOT-MARIE-TOOTH NEUROPATHY, DOMINANT INTERMEDIATE C. Identifiers: Orphanet 100045, MedGen C1842237, MONDO:0012012, OMIM 608323.

Submission:

Labcorp Genetics (formerly Invitae), Labcorp
Classification: Uncertain significance for Charcot-Marie-Tooth disease dominant intermediate C. Last evaluated: 2022-12-16. Review status: criteria provided, single submitter. Criteria: Invitae Variant Classification Sherloc (09022015). Collection method: clinical testing. Allele origin: germline.
Comment: This sequence change replaces lysine, which is basic and polar, with arginine, which is basic and polar, at codon 523 of the YARS protein (p.Lys523Arg). In summary, the available evidence is currently insufficient to determine the role of this variant in disease. Therefore, it has been classified as a Variant of Uncertain Significance. Advanced modeling of protein sequence and biophysical properties (such as structural, functional, and spatial information, amino acid conservation, physicochemical variation, residue mobility, and thermodynamic stability) performed at Invitae indicates that this missense variant is not expected to disrupt YARS protein function. This variant has not been reported in the literature in individuals affected with YARS-related conditions. This variant is not present in population databases (gnomAD no frequency).